The following is an entry in ClinVar:

ClinVar aggregate classification (germline): Pathogenic/Likely pathogenic. Review status: criteria provided, multiple submitters, no conflicts (2 of 4 stars). 5 submissions from 5 submitters: Pathogenic (1); Likely pathogenic (3). 1 of the submissions does not count toward it. Last evaluated 2025-04-17.

Conditions:
RTEL1-related disorder. Also called: RTEL1-related condition; RTEL1-related disorders.
Dyskeratosis congenita, autosomal recessive 5 (DKCB5). Identifiers: MedGen C3554656, MONDO:0014076, OMIM 615190.
Pulmonary fibrosis and/or bone marrow failure, Telomere-related, 3. Also called: PULMONARY FIBROSIS AND/OR BONE MARROW FAILURE SYNDROME, TELOMERE-RELATED, 3. Identifiers: Orphanet 2032, MedGen C4225346, MONDO:0014613, OMIM 616373.

Allele frequency attached by ClinVar (database versions not stated): gnomAD exomes below 0.00001.

Submissions (5):

Labcorp Genetics (formerly Invitae), Labcorp
Classification: Pathogenic for Dyskeratosis congenita, autosomal recessive 5; Pulmonary fibrosis and/or bone marrow failure, Telomere-related, 3. Last evaluated: 2025-04-17. Review status: criteria provided, single submitter. Criteria: Invitae Variant Classification Sherloc (09022015). Collection method: clinical testing. Allele origin: germline.
Comment: This sequence change creates a premature translational stop signal (p.Phe299Leufs*10) in the RTEL1 gene. It is expected to result in an absent or disrupted protein product. Loss-of-function variants in RTEL1 are known to be pathogenic (PMID: 23453664, 23959892, 25607374). This variant is not present in population databases (gnomAD no frequency). This variant has not been reported in the literature in individuals affected with RTEL1-related conditions. ClinVar contains an entry for this variant (Variation ID: 558110). Algorithms developed to predict the effect of sequence changes on RNA splicing suggest that this variant may create or strengthen a splice site. For these reasons, this variant has been classified as Pathogenic.

GeneDx
Classification: Likely pathogenic. Last evaluated: 2024-03-26. Review status: criteria provided, single submitter. Criteria: GeneDx Variant Classification Process June 2021. Collection method: clinical testing. Allele origin: germline. Affected: yes.
Comment: Frameshift variant predicted to result in protein truncation or nonsense mediated decay in a gene for which loss-of-function is a known mechanism of disease; Not observed at significant frequency in large population cohorts (gnomAD); Has not been previously published as pathogenic or benign to our knowledge

Baylor Genetics
Classification: Likely pathogenic for Dyskeratosis congenita, autosomal recessive 5. Last evaluated: 2023-11-20. Review status: criteria provided, single submitter. Criteria: ACMG Guidelines, 2015. Collection method: clinical testing. Allele origin: unknown.

PreventionGenetics, part of Exact Sciences
Classification: Likely pathogenic for RTEL1-related condition. Last evaluated: 2023-09-28. Review status: criteria provided, single submitter. Criteria: ACMG Guidelines, 2015. Collection method: clinical testing. Allele origin: germline.
Comment: The RTEL1 c.969delC variant is predicted to result in a frameshift and premature protein termination (p.Phe323Leufs*10). To our knowledge, this variant has not been reported in literature or in a large population database, indicating this variant is rare. Frameshift variants in RTEL1 are expected to be pathogenic. This variant is interpreted as likely pathogenic.

Counsyl
Classification: Likely pathogenic for Dyskeratosis congenita, autosomal recessive 5. Last evaluated: 2018-04-27. Review status: no assertion criteria provided. Collection method: clinical testing. Allele origin: unknown. Not counted in ClinVar's aggregate classification.

Literature cited by the submitters: PubMed 23453664 (cited by Labcorp Genetics (formerly Invitae), Labcorp); PubMed 23959892 (cited by Labcorp Genetics (formerly Invitae), Labcorp); PubMed 25607374 (cited by Labcorp Genetics (formerly Invitae), Labcorp).

NM_001283009.2(RTEL1):c.897del (p.Phe299fs)

Genes: RTEL1 (regulator of telomere elongation helicase 1; plus strand), RTEL1-TNFRSF6B (RTEL1-TNFRSF6B readthrough (NMD candidate); plus strand). Cytogenetic location: 20q13.33.
Variant type: Deletion.
Coding change: c.897del on transcript NM_001283009.2 (MANE Select); coding-DNA position 897, one base deleted (C; older notation c.897delC).
Protein change: p.Phe299fs; shifts the reading frame from phenylalanine 299.
Molecular consequence: frameshift variant. On other transcripts: non-coding transcript variant (1).
Genome position (GRCh38, 1-based): chr20:63,674,071, C deleted. VCF-style (leftmost placement, unchanged base first): chr20-63674070-TC-T. GRCh37 (hg19) VCF-style: chr20-62305423-TC-T.
Other names: c.969delC (NM_032957.4); c.228del, p.Phe76fs (NM_001283010.1); c.897del, p.Phe299fs (NM_016434.4); c.969del, p.Phe323fs (NM_032957.5); short protein forms F323fs, F76fs, F299fs.
Identifiers: ClinVar variation 558110 (VCV000558110.12), dbSNP rs1555901832, ClinGen allele CA658824268.
Genomic context (GRCh38, chr20:63,674,070, plus strand): 5'-TAGACCAGGTGCTGGAGGAGCAGACCAAGGCAGCGCAGCAGGGTGAGCCCCACCCGGAGT[TC>T]AGCGCGGACTCCCCCAGCCCAGGTGCGTTCATAGCCAGACTGCTTGGTCCTGAGGCCTGC-3'